The following is an entry in ClinVar:

ClinVar aggregate classification (germline): Uncertain significance. Review status: criteria provided, multiple submitters, no conflicts (2 of 4 stars). 3 submissions from 3 submitters: Uncertain significance (3). Last evaluated 2025-09-03.

Conditions:
Hereditary cancer-predisposing syndrome. Also called: Hereditary neoplastic syndrome; Neoplastic Syndromes, Hereditary; Tumor predisposition; Hereditary Cancer Syndrome. Identifiers: Orphanet 140162, MedGen C0027672, MeSH D009386, MONDO:0015356.

Submissions (3):

Quest Diagnostics Nichols Institute San Juan Capistrano
Classification: Uncertain significance. Last evaluated: 2025-09-03. Review status: criteria provided, single submitter. Criteria: Quest Diagnostics criteria. Collection method: clinical testing. Allele origin: unknown.
Comment: The RAD50 c.2530A>G (p.Ser844Gly) variant has not been reported in individuals with RAD50-related conditions in the published literature. This variant has not been reported in large, multi-ethnic general populations (Genome Aggregation Database). Analysis of this variant using bioinformatics tools for the prediction of the effect of amino acid changes on protein structure and function yielded predictions that this variant is benign. Based on the available information, we are unable to determine the clinical significance of this variant.

Ambry Genetics
Classification: Uncertain significance for Hereditary cancer-predisposing syndrome. Last evaluated: 2022-08-07. Review status: criteria provided, single submitter. Criteria: Ambry Variant Classification Scheme 2023. Collection method: clinical testing. Allele origin: germline.
Comment: The p.S844G variant (also known as c.2530A>G), located in coding exon 16 of the RAD50 gene, results from an A to G substitution at nucleotide position 2530. The serine at codon 844 is replaced by glycine, an amino acid with similar properties. This amino acid position is conserved. In addition, this alteration is predicted to be tolerated by in silico analysis. Since supporting evidence is limited at this time, the clinical significance of this alteration remains unclear.

Labcorp Genetics (formerly Invitae), Labcorp
Classification: Uncertain significance for Hereditary cancer-predisposing syndrome. Last evaluated: 2020-10-12. Review status: criteria provided, single submitter. Criteria: Invitae Variant Classification Sherloc (09022015). Collection method: clinical testing. Allele origin: germline.
Comment: This sequence change replaces serine with glycine at codon 844 of the RAD50 protein (p.Ser844Gly). The serine residue is moderately conserved and there is a small physicochemical difference between serine and glycine. In summary, the available evidence is currently insufficient to determine the role of this variant in disease. Therefore, it has been classified as a Variant of Uncertain Significance. Algorithms developed to predict the effect of sequence changes on RNA splicing suggest that this variant may create or strengthen a splice site, but this prediction has not been confirmed by published transcriptional studies. Algorithms developed to predict the effect of missense changes on protein structure and function (SIFT, PolyPhen-2, Align-GVGD) all suggest that this variant is likely to be tolerated, but these predictions have not been confirmed by published functional studies and their clinical significance is uncertain. This variant has not been reported in the literature in individuals with RAD50-related conditions. This variant is not present in population databases (ExAC no frequency).

NM_005732.4(RAD50):c.2530A>G (p.Ser844Gly)

Gene: RAD50 (RAD50 double strand break repair protein; plus strand). Cytogenetic location: 5q31.1.
Variant type: single nucleotide variant.
Coding change: c.2530A>G on transcript NM_005732.4 (MANE Select); coding-DNA position 2530, A replaced by G.
Protein change: p.Ser844Gly; replaces serine 844 with glycine.
Molecular consequence: missense variant.
Genome position (GRCh38, 1-based): chr5:132,604,811, A>G. VCF-style: chr5-132604811-A-G. GRCh37 (hg19) VCF-style: chr5-131940503-A-G.
Other names: short protein forms S844G.
Identifiers: ClinVar variation 1004588 (VCV001004588.12), dbSNP rs373817937, ClinGen allele CA360956175.